The following is an entry in ClinVar:

ClinVar aggregate classification (germline): Pathogenic/Likely pathogenic. Review status: criteria provided, multiple submitters, no conflicts (2 of 4 stars). 5 submissions from 5 submitters: Pathogenic (3); Likely pathogenic (2). Last evaluated 2026-09-08.

Conditions:
Fabry disease. Also called: Ceramide trihexosidosis; Fabry's disease; Angiokeratoma corporis diffusum; ALPHA-GALACTOSIDASE A DEFICIENCY; ANDERSON-FABRY DISEASE; CERAMIDE TRIHEXOSIDASE DEFICIENCY. Identifiers: Orphanet 324, MedGen C0002986, MONDO:0010526, OMIM 301500, HP:0001071. Disease mechanism: Fabry disease is due to inactivating mutations in the X-linked GLA gene resulting in deficiency of the enzyme Alpha Galactosidase-A., loss of function.

Submissions (5):

Genomenon, Inc
Classification: Pathogenic for Fabry disease. Last evaluated: 2026-09-08. Review status: criteria provided, single submitter. Criteria: Genomenon Sequence Variant Interpretation Standards - Updated. Collection method: curation. Allele origin: germline. Affected: yes.
Comment: GLA p.Asp92Tyr (c.274G>T) is a missense variant that changes the amino acid at codon 92 from Aspartic acid to Tyrosine. This variant has been observed in at least one proband with clinical features consistent with Fabry disease (PMID:9100224;15091117). At least one functional study has demonstrated a substantial alteration in protein function relative to the wild-type (PMID:21598360;27657681). This variant is located in a mutational hotspot and/or important functional domain. It is absent or not present at a significant frequency in gnomAD. In silico models predict that this variant is possibly or probably damaging. In conclusion, we classify GLA p.Asp92Tyr (c.274G>T) as a pathogenic variant.

Women's Health and Genetics/Laboratory Corporation of America, LabCorp
Classification: Likely pathogenic for Fabry disease. Last evaluated: 2021-07-22. Review status: criteria provided, single submitter. Criteria: LabCorp Variant Classification Summary - May 2015. Collection method: clinical testing. Allele origin: germline.
Comment: Variant summary: GLA c.274G>T (p.Asp92Tyr) results in a non-conservative amino acid change in the encoded protein sequence. Five of five in-silico tools predict a damaging effect of the variant on protein function. The variant was absent in 183388 control chromosomes. These data indicate that the variant may be associated with disease. At least one publication reports experimental evidence evaluating an impact on protein function (example, Wu_2011) while at-least two publications report in-silico computational evidence supporting a damaging impact on protein function (example, Saito_2013, Riera_2015). The most pronounced variant effect results in <10% of normal enzyme activity (Wu_2011). Two clinical diagnostic laboratories have submitted clinical-significance assessments for this variant to ClinVar after 2014 without evidence for independent evaluation. All laboratories classified the variant as pathogenic. Based on the evidence outlined above, the variant was classified as likely pathogenic.

Genome-Nilou Lab
Classification: Likely pathogenic for Fabry disease. Last evaluated: 2021-07-15. Review status: criteria provided, single submitter. Criteria: ACMG Guidelines, 2015. Collection method: clinical testing. Allele origin: germline. Affected: no.

Eurofins Ntd Llc (ga)
Classification: Pathogenic. Last evaluated: 2016-12-15. Review status: criteria provided, single submitter. Criteria: EGL Classification Definitions 2015. Collection method: clinical testing. Allele origin: germline.

GeneDx
Classification: Pathogenic. Last evaluated: 2016-10-12. Review status: criteria provided, single submitter. Criteria: GeneDx Variant Classification (06012015). Collection method: clinical testing. Allele origin: germline. Affected: yes.
Comment: The D92Y missense variant in the GLA gene has been reported previously in association with classic Fabry disease (Eng et al., 1997). Functional analysis of D92Y found that it is associated with no detectable residual enzyme activity (Wu et al., 2011). Therefore we interpret D92Y to be a pathogenic variant.

Literature cited by the submitters: PubMed 9100224 (cited by Genomenon, Inc and Women's Health and Genetics/Laboratory Corporation of America, LabCorp); PubMed 15091117 (cited by Genomenon, Inc); PubMed 21598360 (cited by Genomenon, Inc and Women's Health and Genetics/Laboratory Corporation of America, LabCorp); PubMed 27657681 (cited by Genomenon, Inc); PubMed 24386359 (cited by Women's Health and Genetics/Laboratory Corporation of America, LabCorp); PubMed 25382311 (cited by Women's Health and Genetics/Laboratory Corporation of America, LabCorp); PubMed 12359124 (cited by Women's Health and Genetics/Laboratory Corporation of America, LabCorp); PubMed 24613481 (cited by Women's Health and Genetics/Laboratory Corporation of America, LabCorp); PubMed 32418857 (cited by Women's Health and Genetics/Laboratory Corporation of America, LabCorp).

NM_000169.3(GLA):c.274G>T (p.Asp92Tyr)

Genes: GLA (galactosidase alpha; minus strand), RPL36A-HNRNPH2 (RPL36A-HNRNPH2 readthrough; plus strand). Cytogenetic location: Xq22.1.
Variant type: single nucleotide variant.
Coding change: c.274G>T on transcript NM_000169.3 (MANE Select); coding-DNA position 274, G replaced by T.
Protein change: p.Asp92Tyr; replaces aspartic acid 92 with tyrosine.
Molecular consequence: missense variant. On other transcripts: non-coding transcript variant (3), intron variant (2).
Genome position (GRCh38, 1-based): chrX:101,403,906, C>A on the plus strand (G>T on the coding strand, the complement: GLA is on the minus strand). VCF-style: chrX-101403906-C-A. GRCh37 (hg19) VCF-style: chrX-100658894-C-A.
Other names: c.397G>T, p.Asp133Tyr (NM_001406747.1, NM_001406749.1); c.274G>T, p.Asp92Tyr (NM_001406748.1); c.301-8030C>A (NM_001199973.2); c.178-8030C>A (NM_001199974.2); short protein forms D92Y, D133Y.
Identifiers: ClinVar variation 280003 (VCV000280003.12), dbSNP rs886041315, ClinGen allele CA10603399.